The following is an entry in ClinVar:

ClinVar aggregate classification (germline): Uncertain significance (1 of 4 stars; one submission).

Allele frequency attached by ClinVar (database versions not stated): gnomAD 0.00001; gnomAD exomes 0.00001; ExAC 0.00002.
gnomAD v4.1: 15 of 1,613,126 alleles (0.00093%); highest among the groups gnomAD compares: South Asian, 0.0055%; no homozygotes.

Submission:

Labcorp Genetics (formerly Invitae), Labcorp
Classification: Uncertain significance. Last evaluated: 2024-08-06. Review status: criteria provided, single submitter. Criteria: Invitae Variant Classification Sherloc (09022015). Collection method: clinical testing. Allele origin: germline.
Comment: This sequence change replaces arginine, which is basic and polar, with tryptophan, which is neutral and slightly polar, at codon 613 of the PLEKHM2 protein (p.Arg613Trp). This variant is present in population databases (rs778088672, gnomAD 0.007%). This variant has not been reported in the literature in individuals affected with PLEKHM2-related conditions. ClinVar contains an entry for this variant (Variation ID: 1426562). An algorithm developed to predict the effect of missense changes on protein structure and function (PolyPhen-2) suggests that this variant is likely to be disruptive. In summary, the available evidence is currently insufficient to determine the role of this variant in disease. Therefore, it has been classified as a Variant of Uncertain Significance.

NM_015164.4(PLEKHM2):c.1837C>T (p.Arg613Trp)

Gene: PLEKHM2 (pleckstrin homology and RUN domain containing M2; plus strand). Cytogenetic location: 1p36.21.
Variant type: single nucleotide variant.
Coding change: c.1837C>T on transcript NM_015164.4 (MANE Select); coding-DNA position 1837, C replaced by T.
Protein change: p.Arg613Trp; replaces arginine 613 with tryptophan.
Molecular consequence: missense variant.
Genome position (GRCh38, 1-based): chr1:15,728,273, C>T. VCF-style: chr1-15728273-C-T. GRCh37 (hg19) VCF-style: chr1-16054768-C-T.
Other names: short protein forms R613W.
Identifiers: ClinVar variation 1426562 (VCV001426562.8), dbSNP rs778088672, ClinGen allele CA617040.